The following is an entry in ClinVar:

NM_007078.3(LDB3):c.1232-96A>C

Gene: LDB3 (LIM domain binding 3; plus strand). Cytogenetic location: 10q23.2.
Variant type: single nucleotide variant.
Coding change: c.1232-96A>C on transcript NM_007078.3 (MANE Select); 96 bases into the intron before coding-DNA position 1232, A replaced by C.
Molecular consequence: intron variant.
Genome position (GRCh38, 1-based): chr10:86,716,231, A>C. VCF-style: chr10-86716231-A-C. GRCh37 (hg19) VCF-style: chr10-88475988-A-C.
Other names: NC_000010.10:g.88475988A>C; c.1043-96A>C (NM_001368064.1, NM_001368065.1); c.1247-96A>C (NM_001171610.2); c.1091-96A>C (NM_001368066.1); c.902-96A>C (NM_001080114.2).
Identifiers: ClinVar variation 672748 (VCV000672748.3), dbSNP rs59439194, ClinGen allele CA15651086.

ClinVar aggregate classification (germline): Benign. Review status: criteria provided, multiple submitters, no conflicts (2 of 4 stars). 2 submissions from 2 submitters: Benign (2). Last evaluated 2018-06-14.

Allele frequency attached by ClinVar (database versions not stated): 1000 Genomes Project 30x 0.05668; TOPMed 0.05242; 1000 Genomes Project 0.05591.
gnomAD v4.1: 13,983 of 1,429,192 alleles (0.98%); highest among the groups gnomAD compares: African/African-American, 15%; 946 homozygotes.

Submissions (6):

GeneDx
Classification: Benign. Last evaluated: 2018-06-14. Review status: criteria provided, single submitter. Criteria: GeneDx Variant Classification (06012015). Collection method: clinical testing. Allele origin: germline. Affected: yes.
Comment: This variant is considered likely benign or benign based on one or more of the following criteria: it is a conservative change, it occurs at a poorly conserved position in the protein, it is predicted to be benign by multiple in silico algorithms, and/or has population frequency not consistent with disease.

Breakthrough Genomics
Classification: Benign. Review status: criteria provided, single submitter. Criteria: ACMG Guidelines, 2015. Collection method: not provided. Allele origin: germline. Inheritance: Autosomal dominant inheritance. Affected: yes.

Dr. Peter K. Rogan Lab, Western University
No classification provided (evidence only). Condition: Sarcoma. Review status: no classification provided. Collection method: in vitro. Allele origin: not applicable. Functional consequence: retained intron. Not counted in ClinVar's aggregate classification.

Dr. Peter K. Rogan Lab, Western University
No classification provided (evidence only). Condition: Sarcoma. Review status: no classification provided. Collection method: in vitro. Allele origin: not applicable. Functional consequence: retained intron. Not counted in ClinVar's aggregate classification.

Dr. Peter K. Rogan Lab, Western University
No classification provided (evidence only). Condition: Ovarian serous cystadenocarcinoma. Review status: no classification provided. Collection method: in vitro. Allele origin: not applicable. Functional consequence: retained intron. Not counted in ClinVar's aggregate classification.

Dr. Peter K. Rogan Lab, Western University
No classification provided (evidence only). Condition: Uterine carcinosarcoma. Review status: no classification provided. Collection method: in vitro. Allele origin: not applicable. Functional consequence: retained intron. Not counted in ClinVar's aggregate classification.